The following is an entry in ClinVar:

NM_001267550.2(TTN):c.52831G>A (p.Val17611Ile)

Genes: TTN (titin; minus strand), TTN-AS1 (TTN antisense RNA 1; plus strand), LOC126806425 (BRD4-independent group 4 enhancer GRCh37_chr2:179471933-179473132; plus strand). Cytogenetic location: 2q31.2.
Variant type: single nucleotide variant.
Coding change: c.52831G>A on transcript NM_001267550.2 (MANE Select); coding-DNA position 52831, G replaced by A.
Protein change: p.Val17611Ile; replaces valine 17611 with isoleucine.
Molecular consequence: missense variant.
Genome position (GRCh38, 1-based): chr2:178,607,956, C>T on the plus strand (G>A on the coding strand, the complement: TTN is on the minus strand). VCF-style: chr2-178607956-C-T. GRCh37 (hg19) VCF-style: chr2-179472683-C-T.
Other names: p.V15970I:GTT>ATT; c.47908G>A, p.Val15970Ile (NM_001256850.1); c.25636G>A, p.Val8546Ile (NM_003319.4); c.45127G>A, p.Val15043Ile (NM_133378.4); c.26011G>A, p.Val8671Ile (NM_133432.3); c.26212G>A, p.Val8738Ile (NM_133437.4); short protein forms V15970I, V17611I, V8546I, V8738I, V15043I, V8671I.
Identifiers: ClinVar variation 202704 (VCV000202704.8), dbSNP rs748265704, ClinGen allele CA310034.
Genomic context (GRCh38, chr2:178,607,956, plus strand): 5'-CGGTGTACTGACGGACCTTGATCATCTTCTCTGTGCAGCGTGACCATTCATTTGTGCCAA[C>T]CAACTGCTTATCAACAAAATAGCCAACAATTTCCCCACCACCATTGAAAGCTGGGGGTTC-3'
Protein context (NP_001254479.2, residues 17601-17621): IVGYFVDKQL[Val17611Ile]GTNEWSRCTE

ClinVar aggregate classification (germline): Uncertain significance. Review status: criteria provided, multiple submitters, no conflicts (2 of 4 stars). 4 submissions from 4 submitters: Uncertain significance (4). Last evaluated 2024-01-23.

Conditions:
Cardiovascular phenotype. Identifiers: MedGen CN230736.
Myopathy, myofibrillar, 9, with early respiratory failure (MFM9). Also called: EDSTROM MYOPATHY; MYOPATHY, PROXIMAL, WITH EARLY RESPIRATORY MUSCLE INVOLVEMENT; Myopathy, distal, with early respiratory failure, autosomal dominant; Hereditary myopathy with early respiratory failure. Identifiers: Orphanet 178464, Orphanet 34521, MedGen C1863599, MONDO:0011362, OMIM 603689.
Early-onset myopathy with fatal cardiomyopathy (CMYO5). Also called: CONGENITAL MYOPATHY 5 WITH CARDIOMYOPATHY; Salih Myopathy. Identifiers: Orphanet 289377, MedGen C2673677, MONDO:0012714, OMIM 611705. Disease mechanism: loss of function.
Hypertrophic cardiomyopathy 9. Also called: Familial hypertrophic cardiomyopathy 9. Identifiers: MedGen C1861065, MONDO:0013412, OMIM 613765.
Dilated cardiomyopathy 1G (CMD1G). Identifiers: Orphanet 154, MedGen C1858763, MONDO:0011400, OMIM 604145.
Tibial muscular dystrophy (TMD). Also called: UDD MYOPATHY; Tibial muscular dystrophy, tardive; Udd Distal Myopathy – Tibial Muscular Dystrophy. Identifiers: Orphanet 609, MedGen C1838244, MONDO:0010870, OMIM 600334.
Autosomal recessive limb-girdle muscular dystrophy type 2J (LGMDR10). Also called: MUSCULAR DYSTROPHY, LIMB-GIRDLE, AUTOSOMAL RECESSIVE 10; Limb-girdle muscular dystrophy, type 2J. Identifiers: Orphanet 140922, MedGen C1837342, MONDO:0012127, OMIM 608807.

Allele frequency attached by ClinVar (database versions not stated): gnomAD exomes 0.00001; ExAC 0.00002; gnomAD 0.00003.
gnomAD v4.1: 20 of 1,612,852 alleles (0.0012%); highest among the groups gnomAD compares: African/African-American, 0.0027%; no homozygotes.

Submissions (4):

Revvity Omics, Revvity
Classification: Uncertain significance. Last evaluated: 2024-01-23. Review status: criteria provided, single submitter. Criteria: ACMG Guidelines, 2015. Collection method: clinical testing. Allele origin: germline.

Fulgent Genetics
Classification: Uncertain significance for Tibial muscular dystrophy; Myopathy, myofibrillar, 9, with early respiratory failure; Dilated cardiomyopathy 1G; Autosomal recessive limb-girdle muscular dystrophy type 2J; Early-onset myopathy with fatal cardiomyopathy; Hypertrophic cardiomyopathy 9. Last evaluated: 2021-08-13. Review status: criteria provided, single submitter. Criteria: ACMG Guidelines, 2015. Collection method: clinical testing. Allele origin: unknown.

Ambry Genetics
Classification: Uncertain significance for Cardiovascular phenotype. Last evaluated: 2020-03-19. Review status: criteria provided, single submitter. Criteria: Ambry Variant Classification Scheme 2023. Collection method: clinical testing. Allele origin: germline.
Comment: The p.V8546I variant (also known as c.25636G>A), located in coding exon 103 of the TTN gene, results from a G to A substitution at nucleotide position 25636. The valine at codon 8546 is replaced by isoleucine, an amino acid with highly similar properties. This amino acid position is not well conserved in available vertebrate species. In addition, this alteration is predicted to be tolerated by in silico analysis. Since supporting evidence is limited at this time, the clinical significance of this alteration remains unclear.

GeneDx
Classification: Uncertain significance. Last evaluated: 2012-12-10. Review status: criteria provided, single submitter. Criteria: GeneDx Variant Classification (06012015). Collection method: clinical testing. Allele origin: germline. Affected: yes.
Comment: Missense variants in the TTN gene are considered 'unclassified' if they are not previously reported in the literature and do not have >1% frequency in the population to be considered a polymorphism. Research indicates that truncating mutations in the TTN gene are expected to account for approximately 25% of familial and 18% of sporadic idiopathic DCM; however, truncating variants in the TTN gene have been reported in approximately 3% of reported control alleles. There has been little investigation into non-truncating variants. (Herman D et al. Truncations of titin causing dilated cardiomyopathy. N Eng J Med 366:619-628, 2012) The variant is found in DCM panel(s).